The following is an entry in ClinVar:

NM_030962.4(SBF2):c.4444-18T>G

Genes: SBF2-AS1 (SBF2 antisense RNA 1; plus strand), SBF2 (SET binding factor 2; minus strand). Cytogenetic location: 11p15.4.
Variant type: single nucleotide variant.
Coding change: c.4444-18T>G on transcript NM_030962.4 (MANE Select); 18 bases into the intron before coding-DNA position 4444, T replaced by G.
Molecular consequence: intron variant.
Genome position (GRCh38, 1-based): chr11:9,795,975, A>C on the plus strand (T>G on the coding strand, the complement: SBF2 is on the minus strand). VCF-style: chr11-9795975-A-C. GRCh37 (hg19) VCF-style: chr11-9817522-A-C.
Other names: c.4315-18T>G (NM_001386342.1); c.4540-18T>G (NM_001386339.1).
Identifiers: ClinVar variation 381402 (VCV000381402.11), dbSNP rs143439179, ClinGen allele CA5880973.
Genomic context (GRCh38, chr11:9,795,975, plus strand): 5'-AATAGAGATTGAATTCAAACTCAGTTGGATACTGGTTGTGAACCTGAAACACACAAGGCA[A>C]AGAAAAGAGTAAGAATCAAACAGAACAAAAAGTGGATGCCAGGCCACTGAAGGCTTAACT-3'

ClinVar aggregate classification (germline): Benign/Likely benign. Review status: criteria provided, multiple submitters, no conflicts (2 of 4 stars). 3 submissions from 3 submitters: Benign (1); Likely benign (2). Last evaluated 2025-12-08.

Conditions:
Charcot-Marie-Tooth disease type 4. Also called: Charcot-Marie-Tooth disease, type IV; Charcot-Marie-Tooth, Type 4. Identifiers: Orphanet 64749, MedGen C4082197, MONDO:0018995.

Allele frequency attached by ClinVar (database versions not stated): gnomAD 0.00068 and 0.00041; ExAC 0.00112; 1000 Genomes Project 0.00559; 1000 Genomes Project 30x 0.00593; TOPMed 0.00050.
gnomAD v4.1: 526 of 1,611,484 alleles (0.033%); highest among the groups gnomAD compares: East Asian, 0.86%; 5 homozygotes.

Submissions (7):

Labcorp Genetics (formerly Invitae), Labcorp
Classification: Benign for Charcot-Marie-Tooth disease type 4. Last evaluated: 2025-12-08. Review status: criteria provided, single submitter. Criteria: Invitae Variant Classification Sherloc (09022015). Collection method: clinical testing. Allele origin: germline.

Blueprint Genetics
Classification: Likely benign. Last evaluated: 2024-10-02. Review status: criteria provided, single submitter. Criteria: ACMG Guidelines, 2015. Collection method: clinical testing. Allele origin: germline.

GeneDx
Classification: Likely benign. Last evaluated: 2017-08-11. Review status: criteria provided, single submitter. Criteria: GeneDx Variant Classification (06012015). Collection method: clinical testing. Allele origin: germline. Affected: yes.
Comment: This variant is considered likely benign or benign based on one or more of the following criteria: it is a conservative change, it occurs at a poorly conserved position in the protein, it is predicted to be benign by multiple in silico algorithms, and/or has population frequency not consistent with disease.

Dr. Peter K. Rogan Lab, Western University
No classification provided (evidence only). Condition: Familial cancer of breast. Review status: no classification provided. Collection method: in vitro. Allele origin: not applicable. Functional consequence: skipped exon. Not counted in ClinVar's aggregate classification.

Dr. Peter K. Rogan Lab, Western University
No classification provided (evidence only). Condition: Malignant lymphoma, large B-cell, diffuse. Review status: no classification provided. Collection method: in vitro. Allele origin: not applicable. Functional consequence: skipped exon. Not counted in ClinVar's aggregate classification.

Dr. Peter K. Rogan Lab, Western University
No classification provided (evidence only). Condition: Malignant tumor of esophagus. Review status: no classification provided. Collection method: in vitro. Allele origin: not applicable. Functional consequence: retained intron. Not counted in ClinVar's aggregate classification.

Dr. Peter K. Rogan Lab, Western University
No classification provided (evidence only). Condition: Malignant tumor of esophagus. Review status: no classification provided. Collection method: in vitro. Allele origin: not applicable. Functional consequence: retained intron. Not counted in ClinVar's aggregate classification.